The following is an entry in ClinVar:

ClinVar aggregate classification (germline): Uncertain significance. Review status: criteria provided, multiple submitters, no conflicts (2 of 4 stars). 2 submissions from 2 submitters: Uncertain significance (2). Last evaluated 2025-02-09.

Allele frequency attached by ClinVar (database versions not stated): gnomAD exomes below 0.00001; ExAC 0.00001.
gnomAD v4.1: 2 of 1,613,046 alleles (0.00012%); highest among the groups gnomAD compares: Non-Finnish European, 0.00017%; no homozygotes.

Submissions (2):

Ambry Genetics
Classification: Uncertain significance. Last evaluated: 2025-02-09. Review status: criteria provided, single submitter. Criteria: Ambry Variant Classification Scheme 2023. Collection method: clinical testing. Allele origin: germline.
Comment: The p.S268P variant (also known as c.802T>C), located in coding exon 6 of the RNF43 gene, results from a T to C substitution at nucleotide position 802. The serine at codon 268 is replaced by proline, an amino acid with similar properties. This amino acid position is conserved. In addition, this alteration is predicted to be tolerated by in silico analysis. Based on the available evidence, the clinical significance of this variant remains unclear.

Labcorp Genetics (formerly Invitae), Labcorp
Classification: Uncertain significance. Last evaluated: 2022-04-10. Review status: criteria provided, single submitter. Criteria: Invitae Variant Classification Sherloc (09022015). Collection method: clinical testing. Allele origin: germline.
Comment: In summary, the available evidence is currently insufficient to determine the role of this variant in disease. Therefore, it has been classified as a Variant of Uncertain Significance. Algorithms developed to predict the effect of missense changes on protein structure and function are either unavailable or do not agree on the potential impact of this missense change (SIFT: "Deleterious"; PolyPhen-2: "Probably Damaging"; Align-GVGD: "Class C0"). This variant has not been reported in the literature in individuals affected with RNF43-related conditions. This variant is present in population databases (rs764781961, gnomAD 0.0009%). This sequence change replaces serine, which is neutral and polar, with proline, which is neutral and non-polar, at codon 268 of the RNF43 protein (p.Ser268Pro).

NM_017763.6(RNF43):c.802T>C (p.Ser268Pro)

Gene: RNF43 (ring finger protein 43; minus strand). Cytogenetic location: 17q22.
Variant type: single nucleotide variant.
Coding change: c.802T>C on transcript NM_017763.6 (MANE Select); coding-DNA position 802, T replaced by C.
Protein change: p.Ser268Pro; replaces serine 268 with proline.
Molecular consequence: missense variant.
Genome position (GRCh38, 1-based): chr17:58,360,830, A>G on the plus strand (T>C on the coding strand, the complement: RNF43 is on the minus strand). VCF-style: chr17-58360830-A-G. GRCh37 (hg19) VCF-style: chr17-56438191-A-G.
Other names: c.802T>C, p.Ser268Pro (NM_001305544.3); c.421T>C, p.Ser141Pro (NM_001305545.2); short protein forms S141P, S268P.
Identifiers: ClinVar variation 1986552 (VCV001986552.5), dbSNP rs764781961, ClinGen allele CA8673301.